The following is an entry in ClinVar:

ClinVar aggregate classification (germline): Uncertain significance. Review status: criteria provided, multiple submitters, no conflicts (2 of 4 stars). 2 submissions from 2 submitters: Uncertain significance (2). Last evaluated 2024-09-11.

Allele frequency attached by ClinVar (database versions not stated): ExAC 0.00001; gnomAD exomes 0.00001.
gnomAD v4.1: 10 of 1,602,334 alleles (0.00062%); highest among the groups gnomAD compares: Non-Finnish European, 0.00068%; no homozygotes.

Submissions (2):

GeneDx
Classification: Uncertain significance. Last evaluated: 2024-09-11. Review status: criteria provided, single submitter. Criteria: GeneDx Variant Classification Process June 2021. Collection method: clinical testing. Allele origin: germline. Affected: yes.
Comment: Not observed at significant frequency in large population cohorts (gnomAD); In silico analysis indicates that this missense variant does not alter protein structure/function; Has not been previously published as pathogenic or benign to our knowledge

Labcorp Genetics (formerly Invitae), Labcorp
Classification: Uncertain significance. Last evaluated: 2022-06-08. Review status: criteria provided, single submitter. Criteria: Invitae Variant Classification Sherloc (09022015). Collection method: clinical testing. Allele origin: germline.
Comment: This sequence change replaces glutamic acid, which is acidic and polar, with valine, which is neutral and non-polar, at codon 303 of the PNPT1 protein (p.Glu303Val). This variant is not present in population databases (gnomAD no frequency). This variant has not been reported in the literature in individuals affected with PNPT1-related conditions. Advanced modeling of protein sequence and biophysical properties (such as structural, functional, and spatial information, amino acid conservation, physicochemical variation, residue mobility, and thermodynamic stability) performed at Invitae indicates that this missense variant is not expected to disrupt PNPT1 protein function. In summary, the available evidence is currently insufficient to determine the role of this variant in disease. Therefore, it has been classified as a Variant of Uncertain Significance.

NM_033109.5(PNPT1):c.908A>T (p.Glu303Val)

Gene: PNPT1 (polyribonucleotide nucleotidyltransferase 1; minus strand). Cytogenetic location: 2p16.1.
Variant type: single nucleotide variant.
Coding change: c.908A>T on transcript NM_033109.5 (MANE Select); coding-DNA position 908, A replaced by T.
Protein change: p.Glu303Val; replaces glutamic acid 303 with valine.
Molecular consequence: missense variant.
Genome position (GRCh38, 1-based): chr2:55,672,005, T>A on the plus strand (A>T on the coding strand, the complement: PNPT1 is on the minus strand). VCF-style: chr2-55672005-T-A. GRCh37 (hg19) VCF-style: chr2-55899140-T-A.
Other names: c.908A>T (NM_033109.4); short protein forms E303V.
Identifiers: ClinVar variation 2052937 (VCV002052937.2), dbSNP rs747318073, ClinGen allele CA1668305.